The following is an entry in ClinVar:

ClinVar aggregate classification (germline): Benign. Review status: criteria provided, multiple submitters, no conflicts (2 of 4 stars). 2 submissions from 2 submitters: Benign (2). Last evaluated 2018-01-13.

Conditions:
Peters plus syndrome. Also called: KRAUSE-KIVLIN SYNDROME. Identifiers: Orphanet 709, MedGen C0796012, MONDO:0009856, OMIM 261540.

Allele frequency attached by ClinVar (database versions not stated): 1000 Genomes Project 0.61741; 1000 Genomes Project 30x 0.61790; TOPMed 0.66350; gnomAD 0.66822 and 0.66872.

Submissions (2):

Illumina Laboratory Services, Illumina
Classification: Benign for Peters plus syndrome. Last evaluated: 2018-01-13. Review status: criteria provided, single submitter. Criteria: ICSL Variant Classification Criteria 13 December 2019. Collection method: clinical testing. Allele origin: germline.
Comment: This variant was observed in the ICSL laboratory as part of a predisposition screen in an ostensibly healthy population. It had not been previously curated by ICSL or reported in the Human Gene Mutation Database (HGMD: prior to June 1st, 2018), and was therefore a candidate for classification through an automated scoring system. Utilizing variant allele frequency, disease prevalence and penetrance estimates, and inheritance mode, an automated score was calculated to assess if this variant is too frequent to cause the disease. Based on the score and internal cut-off values, a variant classified as benign is not then subjected to further curation. The score for this variant resulted in a classification of benign for this disease.

Breakthrough Genomics
Classification: Benign. Review status: criteria provided, single submitter. Criteria: ACMG Guidelines, 2015. Collection method: not provided. Allele origin: germline. Inheritance: Autosomal recessive inheritance. Affected: yes.

NM_194318.4(B3GLCT):c.*2486T>C

Gene: B3GLCT (beta 3-glucosyltransferase; plus strand). Cytogenetic location: 13q12.3.
Variant type: single nucleotide variant.
Coding change: c.*2486T>C on transcript NM_194318.4 (MANE Select); 2486 bases downstream of the stop codon, T replaced by C.
Molecular consequence: 3 prime UTR variant.
Genome position (GRCh38, 1-based): chr13:31,332,154, T>C. VCF-style: chr13-31332154-T-C. GRCh37 (hg19) VCF-style: chr13-31906291-T-C.
Identifiers: ClinVar variation 880661 (VCV000880661.5), dbSNP rs4057, ClinGen allele CA15778443.
Genomic context (GRCh38, chr13:31,332,154, plus strand): 5'-CTATGTATGGGTATGTAAATATCAGTGCTGTCTGCATTTCTGGGTTTATTGAAGACCTCT[T>C]GTTGTATATATCCTCAAAAATTAATGTAATTGACATCTTCAAGAATGTTTCTATTGTCTT-3'